The following is an entry in ClinVar:

ClinVar aggregate classification (germline): Likely benign (1 of 4 stars; one submission).

gnomAD v4.1: 15 of 1,569,174 alleles (0.00096%); highest among the groups gnomAD compares: Non-Finnish European, 0.0013%; no homozygotes.

Submission:

CeGaT Center for Human Genetics Tuebingen
Classification: Likely benign. Last evaluated: 2026-03-01. Review status: criteria provided, single submitter. Criteria: CeGaT Center For Human Genetics Tuebingen Variant Classification Criteria Version 2. Collection method: clinical testing. Allele origin: germline. Affected: yes. Observed: 1 variant allele.
Comment: MROH2B: BP4, BP7

NM_173489.5(MROH2B):c.1314C>G (p.Thr438=)

Gene: MROH2B (maestro heat like repeat family member 2B; minus strand). Cytogenetic location: 5p13.1.
Variant type: single nucleotide variant.
Coding change: c.1314C>G on transcript NM_173489.5 (MANE Select); coding-DNA position 1314, C replaced by G.
Protein change: p.Thr438=; no amino-acid change (threonine 438 retained).
Molecular consequence: synonymous variant.
Genome position (GRCh38, 1-based): chr5:41,051,007, G>C on the plus strand (C>G on the coding strand, the complement: MROH2B is on the minus strand). VCF-style: chr5-41051007-G-C. GRCh37 (hg19) VCF-style: chr5-41051109-G-C.
Identifiers: ClinVar variation 4822124 (VCV004822124.4).